The following is an entry in ClinVar:

ClinVar aggregate classification (germline): Uncertain significance (1 of 4 stars; one submission).

Conditions:
Leber congenital amaurosis 2 (LCA2). Also called: Autosomal Recessive RPE65-Related Retinal Degeneration; AMAUROSIS CONGENITA OF LEBER II. Identifiers: Orphanet 65, MedGen C1859844, MONDO:0008765, OMIM 204100. Disease mechanism: loss of function.
Retinitis pigmentosa 20 (RP20). Identifiers: Orphanet 791, MedGen C3151086, MONDO:0013425, OMIM 613794.

Submission:

Labcorp Genetics (formerly Invitae), Labcorp
Classification: Uncertain significance for Leber congenital amaurosis 2; Retinitis pigmentosa 20. Last evaluated: 2022-03-31. Review status: criteria provided, single submitter. Criteria: Invitae Variant Classification Sherloc (09022015). Collection method: clinical testing. Allele origin: germline.
Comment: In summary, the available evidence is currently insufficient to determine the role of this variant in disease. Therefore, it has been classified as a Variant of Uncertain Significance. Algorithms developed to predict the effect of missense changes on protein structure and function (SIFT, PolyPhen-2, Align-GVGD) all suggest that this variant is likely to be tolerated. This variant has not been reported in the literature in individuals affected with RPE65-related conditions. This variant is not present in population databases (gnomAD no frequency). This sequence change replaces serine, which is neutral and polar, with asparagine, which is neutral and polar, at codon 397 of the RPE65 protein (p.Ser397Asn).

NM_000329.3(RPE65):c.1190G>A (p.Ser397Asn)

Gene: RPE65 (retinoid isomerohydrolase RPE65; minus strand). Cytogenetic location: 1p31.3.
Variant type: single nucleotide variant.
Coding change: c.1190G>A on transcript NM_000329.3 (MANE Select); coding-DNA position 1190, G replaced by A.
Protein change: p.Ser397Asn; replaces serine 397 with asparagine.
Molecular consequence: missense variant.
Genome position (GRCh38, 1-based): chr1:68,431,524, C>T on the plus strand (G>A on the coding strand, the complement: RPE65 is on the minus strand). VCF-style: chr1-68431524-C-T. GRCh37 (hg19) VCF-style: chr1-68897207-C-T.
Other names: c.1082G>A, p.Ser361Asn (NM_001406853.1); c.914G>A, p.Ser305Asn (NM_001406856.1, NM_001406857.1); short protein forms S361N, S305N, S397N.
Identifiers: ClinVar variation 1905880 (VCV001905880.5), dbSNP rs1206606444, ClinGen allele CA340743228.
Genomic context (GRCh38, chr1:68,431,524, plus strand): 5'-ATCTCACCTTGACGAGGCCCTGAAAAGAGAACTTCAGGCTCCAGCCAGATAGTCTCGTCA[C>T]TGCACAGAATTGCAGTGGCAGTTGTATTGGGGAGCGTGACTAAATTCTTGCCTGTGTCAG-3'
Protein context (NP_000320.1, residues 387-407): PNTTATAILC[Ser397Asn]DETIWLEPEV